The following is an entry in ClinVar:

ClinVar aggregate classification (germline): Uncertain significance (1 of 4 stars; one submission).

Submission:

GeneDx
Classification: Uncertain significance. Last evaluated: 2025-07-28. Review status: criteria provided, single submitter. Criteria: GeneDx Variant Classification Process June 2021. Collection method: clinical testing. Allele origin: germline. Affected: yes.
Comment: Not observed at significant frequency in large population cohorts (gnomAD); In silico analysis supports that this missense variant has a deleterious effect on protein structure/function; Has not been previously published as pathogenic or benign to our knowledge

NM_001845.6(COL4A1):c.355C>A (p.Pro119Thr)

Gene: COL4A1 (collagen type IV alpha 1 chain; minus strand). Cytogenetic location: 13q34.
Variant type: single nucleotide variant.
Coding change: c.355C>A on transcript NM_001845.6 (MANE Select); coding-DNA position 355, C replaced by A.
Protein change: p.Pro119Thr; replaces proline 119 with threonine.
Molecular consequence: missense variant.
Genome position (GRCh38, 1-based): chr13:110,212,449, G>T on the plus strand (C>A on the coding strand, the complement: COL4A1 is on the minus strand). VCF-style: chr13-110212449-G-T. GRCh37 (hg19) VCF-style: chr13-110864796-G-T.
Other names: c.355C>A, p.Pro119Thr (NM_001303110.2); short protein forms P119T.
Identifiers: ClinVar variation 4690032 (VCV004690032.1).